The following is an entry in ClinVar:

ClinVar aggregate classification (germline): Conflicting classifications of pathogenicity. Review status: criteria provided, conflicting classifications (1 of 4 stars). 9 submissions from 9 submitters: Uncertain significance (5); Benign (2); Likely benign (1). 1 of the submissions does not count toward it. Last evaluated 2026-04-01.

Conditions:
MYO15A-related disorder. Also called: MYO15A-related condition.
Autosomal recessive nonsyndromic hearing loss 3. Also called: NEUROSENSORY NONSYNDROMIC RECESSIVE DEAFNESS 3. Identifiers: Orphanet 90636, MedGen C1838263, MONDO:0010860, OMIM 600316.

Allele frequency attached by ClinVar (database versions not stated): ESP Exome Variant Server 0.00130; TOPMed 0.00138; 1000 Genomes Project 30x 0.00141; gnomAD 0.00152 and 0.00158; 1000 Genomes Project 0.00100.
gnomAD v4.1: 3,834 of 1,603,030 alleles (0.24%); highest among the groups gnomAD compares: Middle Eastern, 0.59%; 7 homozygotes.

Submissions (9):

CeGaT Center for Human Genetics Tuebingen
Classification: Likely benign. Last evaluated: 2026-04-01. Review status: criteria provided, single submitter. Criteria: CeGaT Center For Human Genetics Tuebingen Variant Classification Criteria Version 2. Collection method: clinical testing. Allele origin: germline. Affected: yes. Observed: 2 variant alleles.
Comment: MYO15A: BP4

Labcorp Genetics (formerly Invitae), Labcorp
Classification: Benign. Last evaluated: 2026-01-28. Review status: criteria provided, single submitter. Criteria: Invitae Variant Classification Sherloc (09022015). Collection method: clinical testing. Allele origin: germline.

Blueprint Genetics
Classification: Uncertain significance. Last evaluated: 2024-11-15. Review status: criteria provided, single submitter. Criteria: ACMG Guidelines, 2015. Collection method: clinical testing. Allele origin: germline.

Department of Pathology and Laboratory Medicine, Sinai Health System
Classification: Uncertain significance for Autosomal recessive nonsyndromic hearing loss 3. Last evaluated: 2021-07-30. Review status: criteria provided, single submitter. Criteria: ACMG Guidelines, 2015. Collection method: research. Allele origin: germline.

GeneDx
Classification: Benign. Last evaluated: 2020-03-02. Review status: criteria provided, single submitter. Criteria: GeneDx Variant Classification Process June 2021. Collection method: clinical testing. Allele origin: germline. Affected: yes.

Eurofins Ntd Llc (ga)
Classification: Uncertain significance. Last evaluated: 2018-05-14. Review status: criteria provided, single submitter. Criteria: EGL ClinVar v180209 classification definitions. Collection method: clinical testing. Allele origin: germline. Observed: 3 variant alleles, 3 heterozygotes.

Laboratory for Molecular Medicine, Mass General Brigham Personalized Medicine
Classification: Uncertain significance. Last evaluated: 2018-03-01. Review status: criteria provided, single submitter. Criteria: LMM Criteria. Collection method: clinical testing. Allele origin: germline. Observed: 4 variant alleles.
Comment: Variant classified as Uncertain Significance - Favor Benign. The p.Gly275Arg var iant in MYO15A has been previously identified in 4 individuals with hearing loss , but none of these individuals had a pathogenic variant affecting the other cop y of the MYO15A and an alternate cause of hearing loss was identified in 2 (LMM data, Shearer 2013). This variant has been identified in 0.2% (123/63950) of Eur opean chromosomes by the Genome Aggregation Database (gnomAD; dbSNP rs183969516) and is reported in ClinVar (Variation ID:1953 11). Computational prediction tools and conservation analysis suggest that the p .Gly275Arg variant may not impact the protein, though this information is not pr edictive enough to rule out pathogenicity. In summary, while the clinical signif icance of the p.Gly275Arg variant is uncertain, its frequency suggests that it i s more likely to be benign. ACMG/AMP Criteria applied: BP4.

Illumina Laboratory Services, Illumina
Classification: Uncertain significance for Autosomal recessive nonsyndromic hearing loss 3. Last evaluated: 2018-01-13. Review status: criteria provided, single submitter. Criteria: ICSL Variant Classification Criteria 13 December 2019. Collection method: clinical testing. Allele origin: germline.

PreventionGenetics, part of Exact Sciences
Classification: Likely benign for MYO15A-related condition. Last evaluated: 2023-04-20. Review status: no assertion criteria provided. Collection method: clinical testing. Allele origin: germline. Not counted in ClinVar's aggregate classification.
Comment: This variant is classified as likely benign based on ACMG/AMP sequence variant interpretation guidelines (Richards et al. 2015 PMID: 25741868, with internal and published modifications).

Literature cited by the submitters: PubMed 23804846 (cited by Laboratory for Molecular Medicine, Mass General Brigham Personalized Medicine).

NM_016239.4(MYO15A):c.823G>C (p.Gly275Arg)

Gene: MYO15A (myosin XVA; plus strand). Cytogenetic location: 17p11.2.
Variant type: single nucleotide variant.
Coding change: c.823G>C on transcript NM_016239.4 (MANE Select); coding-DNA position 823, G replaced by C.
Protein change: p.Gly275Arg; replaces glycine 275 with arginine.
Molecular consequence: missense variant.
Genome position (GRCh38, 1-based): chr17:18,119,623, G>C. VCF-style: chr17-18119623-G-C. GRCh37 (hg19) VCF-style: chr17-18022937-G-C.
Other names: short protein forms G275R.
Identifiers: ClinVar variation 195311 (VCV000195311.47), dbSNP rs183969516, ClinGen allele CA241682.